The following is an entry in ClinVar:

ClinVar aggregate classification (germline): Pathogenic. Review status: criteria provided, multiple submitters, no conflicts (2 of 4 stars). 2 submissions from 2 submitters: Pathogenic (2). Last evaluated 2024-09-05.

Conditions:
Ataxia-telangiectasia syndrome (AT). Also called: LOUIS-BAR SYNDROME; Cerebello-oculocutaneous telangiectasia; Immunodeficiency with ataxia telangiectasia; Ataxia telangiectasia (A-T); Ataxia-telangiectasia, complementation group D; AT, COMPLEMENTATION GROUP C. Identifiers: Orphanet 100, MedGen C0004135, MONDO:0008840, OMIM 208900.
Hereditary cancer-predisposing syndrome. Also called: Tumor predisposition; Neoplastic Syndromes, Hereditary; Hereditary Cancer Syndrome; Hereditary neoplastic syndrome. Identifiers: Orphanet 140162, MedGen C0027672, MeSH D009386, MONDO:0015356.

Submissions (2):

Ambry Genetics
Classification: Pathogenic for Hereditary cancer-predisposing syndrome. Last evaluated: 2024-09-05. Review status: criteria provided, single submitter. Criteria: Ambry Variant Classification Scheme 2023. Collection method: clinical testing. Allele origin: germline.
Comment: The c.7564delC pathogenic mutation, located in coding exon 50 of the ATM gene, results from a deletion of one nucleotide at nucleotide position 7564, causing a translational frameshift with a predicted alternate stop codon (p.Q2522Nfs*10). This variant is considered to be rare based on population cohorts in the Genome Aggregation Database (gnomAD). This alteration is expected to result in loss of function by premature protein truncation or nonsense-mediated mRNA decay. As such, this alteration is interpreted as a disease-causing mutation.

Labcorp Genetics (formerly Invitae), Labcorp
Classification: Pathogenic for Ataxia-telangiectasia syndrome. Last evaluated: 2024-01-26. Review status: criteria provided, single submitter. Criteria: Invitae Variant Classification Sherloc (09022015). Collection method: clinical testing. Allele origin: germline.
Comment: This sequence change creates a premature translational stop signal (p.Gln2522Asnfs*10) in the ATM gene. It is expected to result in an absent or disrupted protein product. Loss-of-function variants in ATM are known to be pathogenic (PMID: 23807571, 25614872). This variant is not present in population databases (gnomAD no frequency). This variant has not been reported in the literature in individuals affected with ATM-related conditions. For these reasons, this variant has been classified as Pathogenic.

Literature cited by the submitters: PubMed 23807571 (cited by Labcorp Genetics (formerly Invitae), Labcorp); PubMed 25614872 (cited by Labcorp Genetics (formerly Invitae), Labcorp).

NM_000051.4(ATM):c.7564del (p.Gln2522fs)

Genes: ATM (ATM serine/threonine kinase; plus strand), C11orf65 (chromosome 11 open reading frame 65; minus strand). Cytogenetic location: 11q22.3.
Variant type: Deletion.
Coding change: c.7564del on transcript NM_000051.4 (MANE Select); coding-DNA position 7564, one base deleted (C; older notation c.7564delC).
Protein change: p.Gln2522fs; shifts the reading frame from glutamine 2522.
Molecular consequence: frameshift variant. On other transcripts: intron variant (2), non-coding transcript variant (1).
Genome position (GRCh38, 1-based): chr11:108,331,492, C deleted; the last of 2 consecutive C bases (chr11:108,331,491-108,331,492); deleting either gives the same sequence. VCF-style (leftmost placement, unchanged base first): chr11-108331490-AC-A. GRCh37 (hg19) VCF-style: chr11-108202217-AC-A.
Other names: c.7564del, p.Gln2522fs (NM_001351834.2); c.641-22420del (NM_001330368.2); c.*38+3729del (NM_001351110.2); short protein forms Q2522fs.
Identifiers: ClinVar variation 2700631 (VCV002700631.4), dbSNP rs2547274398, ClinGen allele CA2697558872.